The following is an entry in ClinVar:

NM_013266.4(CTNNA3):c.649C>G (p.Leu217Val)

Gene: CTNNA3 (catenin alpha 3; minus strand). Cytogenetic location: 10q21.3.
Variant type: single nucleotide variant.
Coding change: c.649C>G on transcript NM_013266.4 (MANE Select); coding-DNA position 649, C replaced by G.
Protein change: p.Leu217Val; replaces leucine 217 with valine.
Molecular consequence: missense variant.
Genome position (GRCh38, 1-based): chr10:67,219,801, G>C on the plus strand (C>G on the coding strand, the complement: CTNNA3 is on the minus strand). VCF-style: chr10-67219801-G-C. GRCh37 (hg19) VCF-style: chr10-68979559-G-C.
Other names: c.649C>G, p.Leu217Val (NM_001127384.3); c.685C>G, p.Leu229Val (NM_001291133.2); short protein forms L229V, L217V.
Identifiers: ClinVar variation 2157991 (VCV002157991.4), dbSNP rs374834298, ClinGen allele CA5520524.
Genomic context (GRCh38, chr10:67,219,801, plus strand): 5'-TTGCTTTGAGGGAAGCAACATCAGAATGCTCCAAACAAGCTGAACAAATTGAATGCAAGA[G>C]GGGAGAGTTCTCCTTCAGTGAAGCTCGGGCTCCTGCAATTTCATCTCTCTGATTTGGAGA-3'
Protein context (NP_037398.2, residues 207-227): ARASLKENSP[Leu217Val]LHSICSACLE

ClinVar aggregate classification (germline): Uncertain significance (1 of 4 stars; one submission).

Conditions:
Arrhythmogenic right ventricular dysplasia 13. Also called: ARRHYTHMOGENIC RIGHT VENTRICULAR CARDIOMYOPATHY 13; Arrhythmogenic right ventricular dysplasia, familial, 13. Identifiers: MedGen C3810138, MONDO:0000908, OMIM 615616.

Allele frequency attached by ClinVar (database versions not stated): ExAC 0.00001; gnomAD 0.00001; ESP Exome Variant Server 0.00008; TOPMed below 0.00001.
gnomAD v4.1: 1 of 1,613,878 alleles (0.000062%); highest among the groups gnomAD compares: African/African-American, 0.0013%; no homozygotes.

Submission:

Labcorp Genetics (formerly Invitae), Labcorp
Classification: Uncertain significance for Arrhythmogenic right ventricular dysplasia 13. Last evaluated: 2022-07-11. Review status: criteria provided, single submitter. Criteria: Invitae Variant Classification Sherloc (09022015). Collection method: clinical testing. Allele origin: germline.
Comment: In summary, the available evidence is currently insufficient to determine the role of this variant in disease. Therefore, it has been classified as a Variant of Uncertain Significance. Algorithms developed to predict the effect of missense changes on protein structure and function are either unavailable or do not agree on the potential impact of this missense change (SIFT: "Deleterious"; PolyPhen-2: "Possibly Damaging"; Align-GVGD: "Class C0"). This variant has not been reported in the literature in individuals affected with CTNNA3-related conditions. This variant is present in population databases (rs374834298, gnomAD 0.01%). This sequence change replaces leucine, which is neutral and non-polar, with valine, which is neutral and non-polar, at codon 217 of the CTNNA3 protein (p.Leu217Val).